The following is an entry in ClinVar:

NM_000542.5(SFTPB):c.986G>T (p.Trp329Leu)

Gene: SFTPB (surfactant protein B; minus strand). Cytogenetic location: 2p11.2.
Variant type: single nucleotide variant.
Coding change: c.986G>T on transcript NM_000542.5 (MANE Select); coding-DNA position 986, G replaced by T.
Protein change: p.Trp329Leu; replaces tryptophan 329 with leucine.
Molecular consequence: missense variant.
Genome position (GRCh38, 1-based): chr2:85,663,362, C>A on the plus strand (G>T on the coding strand, the complement: SFTPB is on the minus strand). VCF-style: chr2-85663362-C-A. GRCh37 (hg19) VCF-style: chr2-85890485-C-A.
Other names: c.986G>T, p.Trp329Leu (NM_001367281.2, NM_198843.4); short protein forms W329L.
Identifiers: ClinVar variation 3794858 (VCV003794858.1).
Genomic context (GRCh38, chr2:85,663,362, plus strand): 5'-TTGAACGGGCCCTGACCATGAGTCCCCATGTGCCCAGCCCATACCTTTTCCCTGTCCAGC[C>A]AGGAGCCAACACAGGCCTGGAGCATTGCCTGTGGTATGGCCTGCTCGCTGCTGTTCCCGG-3'
Protein context (NP_000533.4, residues 319-339): QAMLQACVGS[Trp329Leu]LDREKCKQFV

ClinVar aggregate classification (germline): Uncertain significance (1 of 4 stars; one submission).

Conditions:
Hereditary pulmonary alveolar proteinosis. Also called: Pulmonary surfactant metabolism dysfunction. Identifiers: Orphanet 264675, MedGen C3711368, MONDO:0012580.

gnomAD v4.1: 2 of 1,612,848 alleles (0.00012%); highest among the groups gnomAD compares: African/African-American, 0.0027%; no homozygotes.

Submission:

Ambry Genetics
Classification: Uncertain significance for Hereditary pulmonary alveolar proteinosis. Last evaluated: 2025-01-13. Review status: criteria provided, single submitter. Criteria: Ambry Variant Classification Scheme 2023. Collection method: clinical testing. Allele origin: germline.
Comment: The p.W341L variant (also known as c.1022G>T), located in coding exon 8 of the SFTPB gene, results from a G to T substitution at nucleotide position 1022. The tryptophan at codon 341 is replaced by leucine, an amino acid with similar properties. This amino acid position is conserved. In addition, this alteration is predicted to be tolerated by in silico analysis. Based on the available evidence, the clinical significance of this variant remains unclear.